The following is an entry in ClinVar:

NM_004946.3(DOCK2):c.3741C>T (p.His1247=)

Gene: DOCK2 (dedicator of cytokinesis 2; plus strand). Cytogenetic location: 5q35.1.
Variant type: single nucleotide variant.
Coding change: c.3741C>T on transcript NM_004946.3 (MANE Select); coding-DNA position 3741, C replaced by T.
Protein change: p.His1247=; no amino-acid change (histidine 1247 retained).
Molecular consequence: synonymous variant. On other transcripts: non-coding transcript variant (1).
Genome position (GRCh38, 1-based): chr5:170,041,130, C>T. VCF-style: chr5-170041130-C-T. GRCh37 (hg19) VCF-style: chr5-169468134-C-T.
Other names: c.3741C>T, p.His1247= (LRG_1227t1).
Identifiers: ClinVar variation 542627 (VCV000542627.36), dbSNP rs144649763, ClinGen allele CA3554313.

ClinVar aggregate classification (germline): Likely benign. Review status: criteria provided, multiple submitters, no conflicts (2 of 4 stars). 4 submissions from 4 submitters: Likely benign (4). Last evaluated 2025-04-02.

Conditions:
DOCK2 deficiency. Also called: Immunodeficiency 40. Identifiers: Orphanet 447737, MedGen C4225328, MONDO:0014637, OMIM 616433.

Allele frequency attached by ClinVar (database versions not stated): gnomAD exomes 0.00015 and 0.00008; ESP Exome Variant Server 0.00023; gnomAD 0.00007 and 0.00008; TOPMed 0.00007; ExAC 0.00011.
gnomAD v4.1: 233 of 1,613,984 alleles (0.014%); highest among the groups gnomAD compares: Non-Finnish European, 0.019%; no homozygotes.

Submissions (4):

Labcorp Genetics (formerly Invitae), Labcorp
Classification: Likely benign for DOCK2 deficiency. Last evaluated: 2025-04-02. Review status: criteria provided, single submitter. Criteria: Invitae Variant Classification Sherloc (09022015). Collection method: clinical testing. Allele origin: germline.

Blueprint Genetics
Classification: Likely benign. Last evaluated: 2024-03-18. Review status: criteria provided, single submitter. Criteria: ACMG Guidelines, 2015. Collection method: clinical testing. Allele origin: germline.

CeGaT Center for Human Genetics Tuebingen
Classification: Likely benign. Last evaluated: 2022-03-01. Review status: criteria provided, single submitter. Criteria: CeGaT Center For Human Genetics Tuebingen Variant Classification Criteria Version 2. Collection method: clinical testing. Allele origin: germline. Affected: yes. Observed: 1 variant allele.
Comment: DOCK2: BP4, BP7

Breakthrough Genomics
Classification: Likely benign. Review status: criteria provided, single submitter. Criteria: ACMG Guidelines, 2015. Collection method: not provided. Allele origin: germline. Inheritance: Autosomal recessive inheritance. Affected: yes.